The following is an entry in ClinVar:

ClinVar aggregate classification (germline): Pathogenic (1 of 4 stars; one submission).

Conditions:
Epidermolytic hyperkeratosis 1 (EHK1). Also called: BULLOUS ERYTHRODERMA ICHTHYOSIFORMIS CONGENITA OF BROCQ; BULLOUS CONGENITAL ICHTHYOSIFORM ERYTHRODERMA. Identifiers: MedGen C5781874, MONDO:0700249, OMIM 113800.

Submission:

Victorian Clinical Genetics Services, Murdoch Childrens Research Institute
Classification: Pathogenic for Epidermolytic hyperkeratosis 1. Last evaluated: 2022-02-02. Review status: criteria provided, single submitter. Criteria: ACMG Guidelines, 2015. Collection method: clinical testing. Allele origin: germline. Inheritance: Autosomal dominant inheritance.
Comment: Based on the classification scheme VCGS_Germline_v1.3.4, this variant is classified as Pathogenic. Following criteria are met: 0104 - Dominant negative is a known mechanism of disease in this gene and is associated with KRT1-related disorders (OMIM). (I) 0107 - This gene is associated with autosomal dominant disease. (I) 0200 - Variant is predicted to result in a missense amino acid change from glutamic acid to glycine. (I) 0115 - Variants in this gene are known to have variable expressivity. There is a high variability of severity even by variants altering the same residue (PMID: 26581228). (I) 0251 - This variant is heterozygous. (I) 0301 - Variant is absent from gnomAD (both v2 and v3). (SP) 0501 - Missense variant consistently predicted to be damaging by multiple in silico tools or highly conserved with a major amino acid change. (SP) 0600 - Variant is located in the annotated 2B rod domain (PMID: 33363884). (I) 0702 - Other missense variants comparable to the one identified in this case have strong previous evidence for pathogenicity. p.(Glu478Asp), p.(Glu478Gln) and p.(Glu478Lys) have all been reported in individuals with epidermolytic ichthyosis, the first one associated with a milder phenotype than the others (ClinVar, LOVD, PMIDs: 33363884, 26581228). (SP) 0803 - This variant has limited previous evidence of pathogenicity in unrelated individuals. It has been reported in a baby with neonatal-onset epidermolytic ichthyosis (PMID: 33363884). (SP) 0905 - No published segregation evidence has been identified for this variant. (I) 1007 - No published functional evidence has been identified for this variant. (SP) Legend: (SP) - Supporting pathogenic, (I) - Information, (SB) - Supporting benign

Literature cited by the submitters: PubMed 26581228; PubMed 33363884.

NM_006121.4(KRT1):c.1433A>G (p.Glu478Gly)

Gene: KRT1 (keratin 1; minus strand). Cytogenetic location: 12q13.13.
Variant type: single nucleotide variant.
Coding change: c.1433A>G on transcript NM_006121.4 (MANE Select); coding-DNA position 1433, A replaced by G.
Protein change: p.Glu478Gly; replaces glutamic acid 478 with glycine.
Molecular consequence: missense variant.
Genome position (GRCh38, 1-based): chr12:52,676,317, T>C on the plus strand (A>G on the coding strand, the complement: KRT1 is on the minus strand). VCF-style: chr12-52676317-T-C. GRCh37 (hg19) VCF-style: chr12-53070101-T-C.
Other names: short protein forms E478G.
Identifiers: ClinVar variation 1698955 (VCV001698955.3), dbSNP rs2121000699, ClinGen allele CA384962317.